The following is an entry in ClinVar:

ClinVar aggregate classification (germline): Likely benign (1 of 4 stars; one submission).

gnomAD v4.1: 56 of 1,608,362 alleles (0.0035%); highest among the groups gnomAD compares: Non-Finnish European, 0.0045%; no homozygotes.

Submission:

CeGaT Center for Human Genetics Tuebingen
Classification: Likely benign. Last evaluated: 2026-01-01. Review status: criteria provided, single submitter. Criteria: CeGaT Center For Human Genetics Tuebingen Variant Classification Criteria Version 2. Collection method: clinical testing. Allele origin: germline. Affected: yes. Observed: 1 variant allele.
Comment: NAA15: BP4, BS1

NM_057175.5(NAA15):c.1305G>A (p.Gln435=)

Gene: NAA15 (N-alpha-acetyltransferase 15, NatA auxiliary subunit; plus strand). Cytogenetic location: 4q31.1.
Variant type: single nucleotide variant.
Coding change: c.1305G>A on transcript NM_057175.5 (MANE Select); coding-DNA position 1305, G replaced by A.
Protein change: p.Gln435=; no amino-acid change (glutamine 435 retained).
Molecular consequence: synonymous variant.
Genome position (GRCh38, 1-based): chr4:139,359,790, G>A. VCF-style: chr4-139359790-G-A. GRCh37 (hg19) VCF-style: chr4-140280944-G-A.
Other names: c.1305G>A, p.Gln435= (NM_001410842.1).
Identifiers: ClinVar variation 4821421 (VCV004821421.4).